The following is an entry in ClinVar:

ClinVar aggregate classification (germline): Uncertain significance. Review status: criteria provided, multiple submitters, no conflicts (2 of 4 stars). 7 submissions from 6 submitters: Uncertain significance (7). Last evaluated 2026-04-03.

Conditions:
Usher syndrome type 2A. Also called: RETINAL DISEASE IN USHER SYNDROME TYPE IIA, MODIFIER OF; USHER SYNDROME, TYPE IIA. Identifiers: Orphanet 231178, Orphanet 886, MedGen C1848634, MONDO:0010169, OMIM 276901.
Retinitis pigmentosa 39 (RP39). Identifiers: Orphanet 791, MedGen C3151138, MONDO:0013436, OMIM 613809.

Allele frequency attached by ClinVar (database versions not stated): TOPMed 0.00001; ExAC 0.00001.
gnomAD v4.1: 1 of 1,614,000 alleles (0.000062%); highest among the groups gnomAD compares: Admixed American, 0.0017%; no homozygotes.

Submissions (7):

GeneDx
Classification: Uncertain significance. Last evaluated: 2026-04-03. Review status: criteria provided, single submitter. Criteria: GeneDx Variant Classification Process June 2021. Collection method: clinical testing. Allele origin: germline.
Comment: In silico analysis suggests that this missense variant does not alter protein structure/function; Has not been previously published as pathogenic or benign to our knowledge

Women's Health and Genetics/Laboratory Corporation of America, LabCorp
Classification: Uncertain significance. Last evaluated: 2024-04-09. Review status: criteria provided, single submitter. Criteria: LabCorp Variant Classification Summary - May 2015. Collection method: clinical testing. Allele origin: germline.
Comment: Variant summary: USH2A c.7633A>G (p.Lys2545Glu) results in a conservative amino acid change located in the Fibronectin type III domain (IPR003961) of the encoded protein sequence. Four of five in-silico tools predict a benign effect of the variant on protein function. The variant allele was found at a frequency of 1.2e-05 in 250760 control chromosomes (gnomAD). The available data on variant occurrences in the general population are insufficient to allow any conclusion about variant significance. To our knowledge, no occurrence of c.7633A>G in individuals affected with Usher Syndrome and no experimental evidence demonstrating its impact on protein function have been reported. ClinVar contains an entry for this variant (Variation ID: 666949). Based on the evidence outlined above, the variant was classified as uncertain significance.

Genome-Nilou Lab
Classification: Uncertain significance for Retinitis pigmentosa 39. Last evaluated: 2023-11-04. Review status: criteria provided, single submitter. Criteria: ACMG Guidelines, 2015. Collection method: clinical testing. Allele origin: germline. Affected: no.

Genome-Nilou Lab
Classification: Uncertain significance for Usher syndrome type 2A. Last evaluated: 2023-11-04. Review status: criteria provided, single submitter. Criteria: ACMG Guidelines, 2015. Collection method: clinical testing. Allele origin: germline. Affected: no.

Labcorp Genetics (formerly Invitae), Labcorp
Classification: Uncertain significance. Last evaluated: 2022-11-01. Review status: criteria provided, single submitter. Criteria: Invitae Variant Classification Sherloc (09022015). Collection method: clinical testing. Allele origin: germline.
Comment: This sequence change replaces lysine, which is basic and polar, with glutamic acid, which is acidic and polar, at codon 2545 of the USH2A protein (p.Lys2545Glu). This variant is present in population databases (rs774559456, gnomAD 0.009%). This variant has not been reported in the literature in individuals affected with USH2A-related conditions. ClinVar contains an entry for this variant (Variation ID: 666949). Advanced modeling of protein sequence and biophysical properties (such as structural, functional, and spatial information, amino acid conservation, physicochemical variation, residue mobility, and thermodynamic stability) performed at Invitae indicates that this missense variant is not expected to disrupt USH2A protein function. In summary, the available evidence is currently insufficient to determine the role of this variant in disease. Therefore, it has been classified as a Variant of Uncertain Significance.

Laboratory for Molecular Medicine, Mass General Brigham Personalized Medicine
Classification: Uncertain significance. Last evaluated: 2018-06-27. Review status: criteria provided, single submitter. Criteria: LMM Criteria. Collection method: clinical testing. Allele origin: germline. Observed: 1 variant allele.
Comment: The p.Lys2545Glu variant in USH2A has not been previously reported in individual s with hearing loss or Usher syndrome but has been identified in 3/33562 Latino chromosomes by the Genome Aggregation Database (gnomAD; dbSNP rs774559456). Computational prediction tools and conservation an alysis suggest that the p.Lys2545Glu variant may not impact the protein, though this information is not predictive enough to rule out pathogenicity. In summary, the clinical significance of the p.Lys2545Glu variant is uncertain. ACMG/AMP Cr iteria applied: PM2_Supporting, BP4.

Breakthrough Genomics
Classification: Uncertain significance. Review status: criteria provided, single submitter. Criteria: ACMG Guidelines, 2015. Collection method: not provided. Allele origin: germline. Inheritance: Autosomal recessive inheritance. Affected: yes.

NM_206933.4(USH2A):c.7633A>G (p.Lys2545Glu)

Gene: USH2A (usherin; minus strand). Cytogenetic location: 1q41.
Variant type: single nucleotide variant.
Coding change: c.7633A>G on transcript NM_206933.4 (MANE Select); coding-DNA position 7633, A replaced by G.
Protein change: p.Lys2545Glu; replaces lysine 2545 with glutamic acid.
Molecular consequence: missense variant.
Genome position (GRCh38, 1-based): chr1:215,889,016, T>C on the plus strand (A>G on the coding strand, the complement: USH2A is on the minus strand). VCF-style: chr1-215889016-T-C. GRCh37 (hg19) VCF-style: chr1-216062358-T-C.
Other names: short protein forms K2545E.
Identifiers: ClinVar variation 666949 (VCV000666949.9), dbSNP rs774559456, ClinGen allele CA1394770.
Genomic context (GRCh38, chr1:215,889,016, plus strand): 5'-GGGTAATAACCCCATTGGATTTTCTAGGATGCTGCCAGGTGACCAACATCATTCTTGACT[T>C]CACATCCAGAAGAATCGGAGGAACTACAGGTCCAGGTTCTGTAAAGTAAAATAAATCCAG-3'
Protein context (NP_996816.3, residues 2535-2555): PVVPPILLDV[Lys2545Glu]SRMMLVTWQH